The following is an entry in ClinVar:

ClinVar aggregate classification (germline): Likely pathogenic (1 of 4 stars; one submission).

Conditions:
Autosomal dominant nonsyndromic hearing loss 15 (DFNA15). Also called: DEAFNESS, AUTOSOMAL DOMINANT 52; Autosomal dominant nonsyndromic hearing loss 52. Identifiers: Orphanet 90635, MedGen C1865366, MONDO:0011226, OMIM 602459.

Submission:

Institute of Rare Diseases, West China Hospital, Sichuan University
Classification: Likely pathogenic for Autosomal dominant nonsyndromic hearing loss 15. Last evaluated: 2025-01-09. Review status: criteria provided, single submitter. Criteria: ClinGen HL ACMG Specifications v1. Collection method: research. Allele origin: germline. Affected: yes.
Comment: PVS1;PM2_Supporting

NM_002700.3(POU4F3):c.371C>A (p.Ser124Ter)

Genes: RBM27-POU4F3 (RBM27-POU4F3 readthrough; plus strand), POU4F3 (POU class 4 homeobox 3; plus strand). Cytogenetic location: 5q32.
Variant type: single nucleotide variant.
Coding change: c.371C>A on transcript NM_002700.3 (MANE Select); coding-DNA position 371, C replaced by A.
Protein change: p.Ser124Ter; replaces serine 124 with a stop codon.
Molecular consequence: nonsense. On other transcripts: 3 prime UTR variant (1).
Genome position (GRCh38, 1-based): chr5:146,339,798, C>A. VCF-style: chr5-146339798-C-A. GRCh37 (hg19) VCF-style: chr5-145719361-C-A.
Other names: c.*240C>A (NM_001414499.1); short protein forms S124*.
Identifiers: ClinVar variation 3601693 (VCV003601693.1).
Genomic context (GRCh38, chr5:146,339,798, plus strand): 5'-CCTCACACCCTCACCACGCCGTGCACCAGGGCCTCGAAGGCGACCTGCTGGAGCACATCT[C>A]GCCCACGCTGAGTGTGAGCGGCCTGGGCGCTCCGGAACACTCGGTGATGCCCGCACAGAT-3'